The following is an entry in ClinVar:

ClinVar aggregate classification (germline): Pathogenic/Likely pathogenic. Review status: criteria provided, multiple submitters, no conflicts (2 of 4 stars). 6 submissions from 6 submitters: Pathogenic (4); Likely pathogenic (1). 1 of the submissions does not count toward it. Last evaluated 2025-04-14.

Conditions:
Distal spinal muscular atrophy. Also called: Distal hereditary motor neuropathy; Distal hereditary motor neuronopathy. Identifiers: Orphanet 53739, MedGen C0393541, MONDO:0018894.
Charcot-Marie-Tooth disease axonal type 2S. Also called: CHARCOT-MARIE-TOOTH NEUROPATHY, TYPE 2S; CHARCOT-MARIE-TOOTH DISEASE, AXONAL, AUTOSOMAL RECESSIVE, TYPE 2S. Identifiers: Orphanet 443073, MedGen C4015349, MONDO:0014511, OMIM 616155.
Autosomal recessive distal spinal muscular atrophy 1. Also called: HMN VI; NEURONOPATHY, SEVERE INFANTILE AXONAL, WITH RESPIRATORY FAILURE; Spinal muscular atrophy with respiratory distress 1; NEURONOPATHY, DISTAL HEREDITARY MOTOR, HARDING TYPE VI; NEUROPATHY, DISTAL HEREDITARY MOTOR, AUTOSOMAL RECESSIVE 1; SEVERE INFANTILE AXONAL NEUROPATHY WITH RESPIRATORY FAILURE. Identifiers: Orphanet 98920, MedGen C1858517, MONDO:0011436, OMIM 604320.
Neuronopathy, distal hereditary motor, autosomal dominant. Also called: Autosomal dominant distal hereditary motor neuropathy. Identifiers: Orphanet 140465, MedGen C5548212, MONDO:0015362.

Allele frequency attached by ClinVar (database versions not stated): ExAC 0.00001; TOPMed 0.00001; ESP Exome Variant Server 0.00008.
gnomAD v4.1: 9 of 1,613,196 alleles (0.00056%); highest among the groups gnomAD compares: Non-Finnish European, 0.00076%; no homozygotes.

Submissions (6):

Labcorp Genetics (formerly Invitae), Labcorp
Classification: Pathogenic for Autosomal recessive distal spinal muscular atrophy 1; Charcot-Marie-Tooth disease axonal type 2S. Last evaluated: 2025-04-14. Review status: criteria provided, single submitter. Criteria: Invitae Variant Classification Sherloc (09022015). Collection method: clinical testing. Allele origin: germline.
Comment: This sequence change creates a premature translational stop signal (p.Gln446*) in the IGHMBP2 gene. It is expected to result in an absent or disrupted protein product. Loss-of-function variants in IGHMBP2 are known to be pathogenic (PMID: 14681881, 25439726, 25568292). This variant is present in population databases (rs372181708, gnomAD 0.003%). This premature translational stop signal has been observed in individual(s) with spinal muscular atrophy with respiratory distress type 1 (SMARD1) (PMID: 24388491). ClinVar contains an entry for this variant (Variation ID: 620136). For these reasons, this variant has been classified as Pathogenic.

Fulgent Genetics
Classification: Likely pathogenic for Autosomal recessive distal spinal muscular atrophy 1; Charcot-Marie-Tooth disease axonal type 2S. Last evaluated: 2024-06-24. Review status: criteria provided, single submitter. Criteria: ACMG Guidelines, 2015. Collection method: clinical testing. Allele origin: germline.

Women's Health and Genetics/Laboratory Corporation of America, LabCorp
Classification: Pathogenic for Autosomal recessive distal spinal muscular atrophy 1. Last evaluated: 2024-02-23. Review status: criteria provided, single submitter. Criteria: LabCorp Variant Classification Summary - May 2015. Collection method: clinical testing. Allele origin: germline.
Comment: Variant summary: IGHMBP2 c.1336C>T (p.Gln446X) results in a premature termination codon, predicted to cause a truncation of the encoded protein or absence of the protein due to nonsense mediated decay, which are commonly known mechanisms for disease. The variant allele was found at a frequency of 1.2e-05 in 248740 control chromosomes. c.1336C>T has been reported in the literature in at least one compound heterozygous individual affected with Autosomal Recessive Distal Spinal Muscular Atrophy 1 (e.g., Jedrzejowska_2013). To our knowledge, no experimental evidence demonstrating an impact on protein function has been reported. The following publication has been ascertained in the context of this evaluation (PMID: 24388491). ClinVar contains an entry for this variant (Variation ID: 620136). Based on the evidence outlined above, the variant was classified as pathogenic.

GeneDx
Classification: Pathogenic. Last evaluated: 2020-05-20. Review status: criteria provided, single submitter. Criteria: GeneDx Variant Classification Process June 2021. Collection method: clinical testing. Allele origin: germline. Affected: yes.
Comment: Identified in a patient with spinal muscular atrophy with respiratory distress in published literature (Jedrzejowska et al., 2014); Nonsense variant predicted to result in protein truncation or nonsense mediated decay in a gene for which loss-of-function is a known mechanism of disease; Not observed at a significant frequency in large population cohorts (Lek et al., 2016); This variant is associated with the following publications: (PMID: 24388491)

Laboratory for Molecular Medicine, Mass General Brigham Personalized Medicine
Classification: Pathogenic for Distal spinal muscular atrophy. Last evaluated: 2018-07-18. Review status: criteria provided, single submitter. Criteria: LMM Criteria. Collection method: clinical testing. Allele origin: germline. Inheritance: Autosomal recessive inheritance. Observed: 1 variant allele.
Comment: The p.Gln446X variant in IGHMBP2 has been previously reported in one compound he terozygous individual with spinal muscular atrophy with respiratory distress (SM ARD1) who also carried a de novo missense allele (Jedrzejowska 2014). This varia nt has been identified in 3/110614 European chromosomes by the Genome Aggregatio n Database (gnomAD; dbSNP rs372181708). This n onsense variant leads to a premature termination codon at position 446, which is predicted to lead to a truncated or absent protein. Complete loss of IGHMBP2 fu nction is an established disease mechanism for SMARD1. In summary, this variant meets criteria to be classified as pathogenic for SMARD1 in an autosomal recessi ve manner. ACMG/AMP criteria applied: PVS1, PM3_Supporting, PM2.

Inherited Neuropathy Consortium
Classification: Uncertain significance for Autosomal dominant distal hereditary motor neuropathy. Review status: no assertion criteria provided. Collection method: literature only. Allele origin: germline. Affected: yes. Not counted in ClinVar's aggregate classification.

Literature cited by the submitters: PubMed 14681881 (cited by Labcorp Genetics (formerly Invitae), Labcorp); PubMed 25439726 (cited by Labcorp Genetics (formerly Invitae), Labcorp); PubMed 25568292 (cited by Labcorp Genetics (formerly Invitae), Labcorp); PubMed 24388491 (cited by 4 submitters).

NM_002180.3(IGHMBP2):c.1336C>T (p.Gln446Ter)

Gene: IGHMBP2 (immunoglobulin mu DNA binding protein 2; plus strand). Cytogenetic location: 11q13.3.
Variant type: single nucleotide variant.
Coding change: c.1336C>T on transcript NM_002180.3 (MANE Select); coding-DNA position 1336, C replaced by T.
Protein change: p.Gln446Ter; replaces glutamine 446 with a stop codon.
Molecular consequence: nonsense.
Genome position (GRCh38, 1-based): chr11:68,933,399, C>T. VCF-style: chr11-68933399-C-T. GRCh37 (hg19) VCF-style: chr11-68700867-C-T.
Other names: p.Gln446X; short protein forms Q446*.
Identifiers: ClinVar variation 620136 (VCV000620136.21), dbSNP rs372181708, ClinGen allele CA6153608.